The following is an entry in ClinVar:

NM_006514.4(SCN10A):c.4181T>C (p.Met1394Thr)

Gene: SCN10A (sodium voltage-gated channel alpha subunit 10; minus strand). Cytogenetic location: 3p22.2.
Variant type: single nucleotide variant.
Coding change: c.4181T>C on transcript NM_006514.4 (MANE Select); coding-DNA position 4181, T replaced by C.
Protein change: p.Met1394Thr; replaces methionine 1394 with threonine.
Molecular consequence: missense variant.
Genome position (GRCh38, 1-based): chr3:38,709,578, A>G on the plus strand (T>C on the coding strand, the complement: SCN10A is on the minus strand). VCF-style: chr3-38709578-A-G. GRCh37 (hg19) VCF-style: chr3-38751069-A-G.
Other names: c.4178T>C, p.Met1393Thr (NM_001293306.2); c.3887T>C, p.Met1296Thr (NM_001293307.2); short protein forms M1394T, M1393T, M1296T.
Identifiers: ClinVar variation 3438154 (VCV003438154.1).

ClinVar aggregate classification (germline): Uncertain significance (1 of 4 stars; one submission).

Conditions:
Cardiovascular phenotype. Identifiers: MedGen CN230736.

Submission:

Ambry Genetics
Classification: Uncertain significance for Cardiovascular phenotype. Last evaluated: 2024-11-18. Review status: criteria provided, single submitter. Criteria: Ambry Variant Classification Scheme 2023. Collection method: clinical testing. Allele origin: germline.
Comment: The p.M1394T variant (also known as c.4181T>C), located in coding exon 24 of the SCN10A gene, results from a T to C substitution at nucleotide position 4181. The methionine at codon 1394 is replaced by threonine, an amino acid with similar properties. This amino acid position is conserved. In addition, this alteration is predicted to be deleterious by in silico analysis. Based on the available evidence, the clinical significance of this variant remains unclear.